The following is an entry in ClinVar:

ClinVar aggregate classification (germline): Uncertain significance. Review status: criteria provided, multiple submitters, no conflicts (2 of 4 stars). 2 submissions from 2 submitters: Uncertain significance (2). Last evaluated 2026-05-14.

Conditions:
Developmental and epileptic encephalopathy, 54. Also called: Epileptic encephalopathy, early infantile, 54; HNRNPU-Related Neurodevelopmental Disorder. Identifiers: MedGen C4479319, MONDO:0033363, OMIM 617391.
Inborn genetic diseases. Identifiers: MedGen C0950123, MeSH D030342.

Submissions (2):

Ambry Genetics
Classification: Uncertain significance for Inborn genetic diseases. Last evaluated: 2026-05-14. Review status: criteria provided, single submitter. Criteria: Ambry Variant Classification Scheme 2023. Collection method: clinical testing. Allele origin: germline.

Labcorp Genetics (formerly Invitae), Labcorp
Classification: Uncertain significance for Developmental and epileptic encephalopathy, 54. Last evaluated: 2021-10-31. Review status: criteria provided, single submitter. Criteria: Invitae Variant Classification Sherloc (09022015). Collection method: clinical testing. Allele origin: germline.
Comment: This variant is not present in population databases (gnomAD no frequency). This sequence change replaces asparagine, which is neutral and polar, with lysine, which is basic and polar, at codon 156 of the HNRNPU protein (p.Asn156Lys). This variant has not been reported in the literature in individuals affected with HNRNPU-related conditions. In summary, the available evidence is currently insufficient to determine the role of this variant in disease. Therefore, it has been classified as a Variant of Uncertain Significance. Algorithms developed to predict the effect of missense changes on protein structure and function are either unavailable or do not agree on the potential impact of this missense change (SIFT: "Tolerated"; PolyPhen-2: "Possibly Damaging"; Align-GVGD: "Class C0").

NM_031844.3(HNRNPU):c.468C>A (p.Asn156Lys)

Gene: HNRNPU (heterogeneous nuclear ribonucleoprotein U; minus strand). Cytogenetic location: 1q44.
Variant type: single nucleotide variant.
Coding change: c.468C>A on transcript NM_031844.3 (MANE Select); coding-DNA position 468, C replaced by A.
Protein change: p.Asn156Lys; replaces asparagine 156 with lysine.
Molecular consequence: missense variant.
Genome position (GRCh38, 1-based): chr1:244,863,840, G>T on the plus strand (C>A on the coding strand, the complement: HNRNPU is on the minus strand). VCF-style: chr1-244863840-G-T. GRCh37 (hg19) VCF-style: chr1-245027142-G-T.
Other names: c.468C>A, p.Asn156Lys (NM_004501.3); c.468C>A (NM_031844.2); short protein forms N156K.
Identifiers: ClinVar variation 1348518 (VCV001348518.7), dbSNP rs1257142702, ClinGen allele CA345496963.